The following is an entry in ClinVar:

NM_007294.4(BRCA1):c.135-10T>A

Gene: BRCA1 (BRCA1 DNA repair associated; minus strand). Cytogenetic location: 17q21.31.
Variant type: single nucleotide variant.
Coding change: c.135-10T>A on transcript NM_007294.4 (MANE Select); 10 bases into the intron before coding-DNA position 135, T replaced by A.
Molecular consequence: intron variant.
Genome position (GRCh38, 1-based): chr17:43,106,543, A>T on the plus strand (T>A on the coding strand, the complement: BRCA1 is on the minus strand). VCF-style: chr17-43106543-A-T. GRCh37 (hg19) VCF-style: chr17-41258560-A-T.
Other names: c.-7-10T>A (NM_001408458.1, NM_001407931.1, NM_001407747.1 and 99 more transcripts); c.-218-11683T>A (NM_001407967.1, NM_001407966.1); c.-169-1587T>A (NM_001407959.1, NM_001407962.1, NM_001408512.1 and 4 more transcripts); c.-54-10T>A (NM_001407885.1, NM_001407886.1, NM_001407898.1 and 58 more transcripts); c.135-10T>A (NM_001407686.1, NM_001408397.1, NM_001407632.1 and 167 more transcripts); c.81-1587T>A (NM_001408451.1); c.135-1587T>A (NM_001408475.1, NM_001407875.1, NM_001407659.1 and 21 more transcripts).
Identifiers: ClinVar variation 867861 (VCV000867861.3), dbSNP rs1567812492, ClinGen allele CA916080927.

Conditions:
Breast-ovarian cancer, familial, susceptibility to, 1 (BROVCA1). Also called: BRCA1 Hereditary Breast and Ovarian Cancer; OVARIAN CANCER, SUSCEPTIBILITY TO. Identifiers: Orphanet 145, MedGen C2676676, MONDO:0011450, OMIM 604370. Disease mechanism: loss of function.

Submission:

Brotman Baty Institute, University of Washington
No classification provided (evidence only). Condition: Breast-ovarian cancer, familial 1. Review status: no classification provided. Collection method: in vitro. Allele origin: not applicable. Functional consequence: functionally_normal.
ClinVar note: "not provided" was previously submitted as the classification for the variant. However, the classification appeared to be based only on an observation of functional data so it was converted to no classification on 2025-07-30.